The following is an entry in ClinVar:

ClinVar aggregate classification (germline): Uncertain significance (1 of 4 stars; one submission).

Submission:

Labcorp Genetics (formerly Invitae), Labcorp
Classification: Uncertain significance. Last evaluated: 2025-11-02. Review status: criteria provided, single submitter. Criteria: Invitae Variant Classification Sherloc (09022015). Collection method: clinical testing. Allele origin: germline.
Comment: This sequence change falls in intron 1 of the IDH3A gene. It does not directly change the encoded amino acid sequence of the IDH3A protein. It affects a nucleotide within the consensus splice site. This variant is present in population databases (no rsID available, gnomAD 0.007%). This variant has not been reported in the literature in individuals affected with IDH3A-related conditions. Variants that disrupt the consensus splice site are a relatively common cause of aberrant splicing (PMID: 17576681, 9536098). Algorithms developed to predict the effect of sequence changes on RNA splicing suggest that this variant may disrupt the consensus splice site. In summary, the available evidence is currently insufficient to determine the role of this variant in disease. Therefore, it has been classified as a Variant of Uncertain Significance.

Literature cited by the submitters: PubMed 17576681; PubMed 9536098.

NM_005530.3(IDH3A):c.27+5G>T

Genes: IDH3A (isocitrate dehydrogenase (NAD(+)) 3 catalytic subunit alpha; plus strand), LOC130057684 (ATAC-STARR-seq lymphoblastoid silent region 6706; plus strand). Cytogenetic location: 15q25.1.
Variant type: single nucleotide variant.
Coding change: c.27+5G>T on transcript NM_005530.3 (MANE Select); 5 bases into the intron after coding-DNA position 27, G replaced by T.
Molecular consequence: intron variant.
Genome position (GRCh38, 1-based): chr15:78,149,435, G>T. VCF-style: chr15-78149435-G-T. GRCh37 (hg19) VCF-style: chr15-78441777-G-T.
Identifiers: ClinVar variation 4807314 (VCV004807314.1).